The following is an entry in ClinVar:

ClinVar aggregate classification (germline): Uncertain significance (1 of 4 stars; one submission).

Conditions:
Bethlem myopathy 1A. Also called: Bethlem myopathy 1; Bethlem Muscular Dystrophy; MYOPATHY, BENIGN CONGENITAL, WITH CONTRACTURES. Identifiers: Orphanet 610, MedGen CN029274, MONDO:0024530, OMIM 158810.

Allele frequency attached by ClinVar (database versions not stated): gnomAD exomes below 0.00001.
gnomAD v4.1: 3 of 1,614,120 alleles (0.00019%); highest among the groups gnomAD compares: Non-Finnish European, 0.00025%; no homozygotes.

Submission:

Labcorp Genetics (formerly Invitae), Labcorp
Classification: Uncertain significance for Bethlem myopathy 1A. Last evaluated: 2025-12-29. Review status: criteria provided, single submitter. Criteria: Invitae Variant Classification Sherloc (09022015). Collection method: clinical testing. Allele origin: germline.
Comment: This sequence change replaces threonine, which is neutral and polar, with alanine, which is neutral and non-polar, at codon 115 of the COL6A3 protein (p.Thr115Ala). This variant is not present in population databases (gnomAD no frequency). This variant has not been reported in the literature in individuals affected with COL6A3-related conditions. ClinVar contains an entry for this variant (Variation ID: 1486028). Invitae Evidence Modeling of protein sequence and biophysical properties (such as structural, functional, and spatial information, amino acid conservation, physicochemical variation, residue mobility, and thermodynamic stability) indicates that this missense variant is not expected to disrupt COL6A3 protein function with a negative predictive value of 95%. In summary, the available evidence is currently insufficient to determine the role of this variant in disease. Therefore, it has been classified as a Variant of Uncertain Significance.

NM_004369.4(COL6A3):c.343A>G (p.Thr115Ala)

Gene: COL6A3 (collagen type VI alpha 3 chain; minus strand). Cytogenetic location: 2q37.3.
Variant type: single nucleotide variant.
Coding change: c.343A>G on transcript NM_004369.4 (MANE Select); coding-DNA position 343, A replaced by G.
Protein change: p.Thr115Ala; replaces threonine 115 with alanine.
Molecular consequence: missense variant. On other transcripts: intron variant (4).
Genome position (GRCh38, 1-based): chr2:237,394,953, T>C on the plus strand (A>G on the coding strand, the complement: COL6A3 is on the minus strand). VCF-style: chr2-237394953-T-C. GRCh37 (hg19) VCF-style: chr2-238303596-T-C.
Other names: c.91+1774A>G (NM_057166.5, NM_057167.4, NM_057164.5 and 1 more transcripts); short protein forms T115A.
Identifiers: ClinVar variation 1486028 (VCV001486028.8), dbSNP rs2106388440, ClinGen allele CA351227429.
Genomic context (GRCh38, chr2:237,394,953, plus strand): 5'-CAGCAGCCTTGGTGAGGTGGCTTTGCATTATGTATTCTAATCCTTTTCCAGTCTGATTGG[T>C]TCCCCCAATATAAGACATGTTGGAAATATGAGAAAGGACTTCTTGTTTAGTACGATACGT-3'
Protein context (NP_004360.2, residues 105-125): HISNMSYIGG[Thr115Ala]NQTGKGLEYI